The following is an entry in ClinVar:

NM_000152.5(GAA):c.1500G>A (p.Glu500=)

Gene: GAA (alpha glucosidase; plus strand). Cytogenetic location: 17q25.3.
Variant type: single nucleotide variant.
Coding change: c.1500G>A on transcript NM_000152.5 (MANE Select); coding-DNA position 1500, G replaced by A.
Protein change: p.Glu500=; no amino-acid change (glutamic acid 500 retained).
Molecular consequence: synonymous variant.
Genome position (GRCh38, 1-based): chr17:80,110,789, G>A. VCF-style: chr17-80110789-G-A. GRCh37 (hg19) VCF-style: chr17-78084588-G-A.
Other names: c.1500G>A, p.Glu500= (NM_001079803.3, NM_001079804.3).
Identifiers: ClinVar variation 702608 (VCV000702608.13), dbSNP rs893313279, ClinGen allele CA294894891.

ClinVar aggregate classification (germline): Likely benign. Review status: criteria provided, multiple submitters, no conflicts (2 of 4 stars). 2 submissions from 2 submitters: Likely benign (2). Last evaluated 2026-05-01.

Conditions:
Glycogen storage disease, type II (IOPD). Also called: Glucosidase acid-1,4-alpha deficiency; POMPE DISEASE, INFANTILE-ONSET; GLYCOGEN STORAGE DISEASE II, INFANTILE-ONSET; ACID ALPHA-GLUCOSIDASE DEFICIENCY, INFANTILE-ONSET; GAA DEFICIENCY, INFANTILE-ONSET; ACID MALTASE DEFICIENCY, INFANTILE-ONSET. Identifiers: Orphanet 365, MedGen C0017921, MONDO:0009290, OMIM 232300.

Allele frequency attached by ClinVar (database versions not stated): gnomAD exomes 0.00001; TOPMed 0.00002.
gnomAD v4.1: 2 of 1,614,152 alleles (0.00012%); highest among the groups gnomAD compares: Admixed American, 0.0033%; no homozygotes.

Submissions (2):

CeGaT Center for Human Genetics Tuebingen
Classification: Likely benign. Last evaluated: 2026-05-01. Review status: criteria provided, single submitter. Criteria: CeGaT Center For Human Genetics Tuebingen Variant Classification Criteria Version 2. Collection method: clinical testing. Allele origin: germline. Affected: yes. Observed: 1 variant allele.
Comment: GAA: BP4, BP7

Labcorp Genetics (formerly Invitae), Labcorp
Classification: Likely benign for Glycogen storage disease, type II. Last evaluated: 2024-05-26. Review status: criteria provided, single submitter. Criteria: Invitae Variant Classification Sherloc (09022015). Collection method: clinical testing. Allele origin: germline.